The following is an entry in ClinVar:

ClinVar aggregate classification (germline): Uncertain significance (1 of 4 stars; one submission).

Submission:

GeneDx
Classification: Uncertain significance. Last evaluated: 2025-05-22. Review status: criteria provided, single submitter. Criteria: GeneDx Variant Classification Process June 2021. Collection method: clinical testing. Allele origin: germline. Affected: yes.
Comment: Not observed at significant frequency in large population cohorts (gnomAD); In silico analysis supports that this missense variant has a deleterious effect on protein structure/function; Has not been previously published as pathogenic or benign to our knowledge

NM_007118.4(TRIO):c.6242A>G (p.Glu2081Gly)

Gene: TRIO (trio Rho guanine nucleotide exchange factor; plus strand). Cytogenetic location: 5p15.2.
Variant type: single nucleotide variant.
Coding change: c.6242A>G on transcript NM_007118.4 (MANE Select); coding-DNA position 6242, A replaced by G.
Protein change: p.Glu2081Gly; replaces glutamic acid 2081 with glycine.
Molecular consequence: missense variant. On other transcripts: non-coding transcript variant (1).
Genome position (GRCh38, 1-based): chr5:14,479,349, A>G. VCF-style: chr5-14479349-A-G. GRCh37 (hg19) VCF-style: chr5-14479458-A-G.
Other names: short protein forms E2081G.
Identifiers: ClinVar variation 4530968 (VCV004530968.1).